The following is an entry in ClinVar:

ClinVar aggregate classification (germline): Uncertain significance. Review status: criteria provided, multiple submitters, no conflicts (2 of 4 stars). 7 submissions from 4 submitters: Uncertain significance (7). Last evaluated 2025-08-05.

Conditions:
Congenital myopathy 18. Also called: Myopathy, congenital, due to dihydropyridine receptor defect; DIHYDROPYRIDINE RECEPTOR CONGENITAL MYOPATHY; DHPR CONGENITAL MYOPATHY. Identifiers: MedGen C5830283, MONDO:0859514, OMIM 620246.
Hypokalemic periodic paralysis, type 1. Also called: HypoPP; Hypokalemic Periodic Paralysis Type 1 (AD). Identifiers: Orphanet 681, MedGen C3714580, MONDO:0042979, OMIM 170400.
Thyrotoxic periodic paralysis, susceptibility to, 1 (TTPP1). Identifiers: Orphanet 79102, MedGen C2749982, MONDO:0008570, OMIM 188580.
Malignant hyperthermia, susceptibility to, 5 (MHS5). Also called: CACNA1S-Related Malignant Hyperthermia Susceptibility. Identifiers: Orphanet 423, MedGen C1866077, MONDO:0011163, OMIM 601887.

Allele frequency attached by ClinVar (database versions not stated): gnomAD exomes below 0.00001 and 0.00001; ExAC 0.00001; gnomAD 0.00001; TOPMed 0.00001.
gnomAD v4.1: 4 of 1,613,342 alleles (0.00025%); highest among the groups gnomAD compares: Non-Finnish European, 0.00034%; no homozygotes.

Submissions (7):

Color Diagnostics, LLC DBA Color Health
Classification: Uncertain significance for Malignant hyperthermia, susceptibility to, 5. Last evaluated: 2025-08-05. Review status: criteria provided, single submitter. Criteria: ACMG Guidelines, 2015. Collection method: clinical testing. Allele origin: germline.
Comment: This missense variant replaces serine with leucine at codon 5 of the CACNA1S protein. Computational prediction suggests that this variant may not impact protein structure and function. To our knowledge, functional studies have not been reported for this variant. This variant has not been reported in individuals affected with CACNA1S-related disorders in the literature. This variant has been identified in 1/251468 chromosomes in the general population by the Genome Aggregation Database (gnomAD). The available evidence is insufficient to determine the role of this variant in disease conclusively. Therefore, this variant is classified as a Variant of Uncertain Significance.

Genome-Nilou Lab
Classification: Uncertain significance for Malignant hyperthermia, susceptibility to, 5. Last evaluated: 2023-04-11. Review status: criteria provided, single submitter. Criteria: ACMG Guidelines, 2015. Collection method: clinical testing. Allele origin: germline. Affected: no.

Genome-Nilou Lab
Classification: Uncertain significance for Thyrotoxic periodic paralysis, susceptibility to, 1. Last evaluated: 2023-04-11. Review status: criteria provided, single submitter. Criteria: ACMG Guidelines, 2015. Collection method: clinical testing. Allele origin: germline. Affected: no.

Genome-Nilou Lab
Classification: Uncertain significance for Congenital myopathy 18. Last evaluated: 2023-04-11. Review status: criteria provided, single submitter. Criteria: ACMG Guidelines, 2015. Collection method: clinical testing. Allele origin: germline. Affected: no.

Genome-Nilou Lab
Classification: Uncertain significance for Hypokalemic periodic paralysis, type 1. Last evaluated: 2023-04-11. Review status: criteria provided, single submitter. Criteria: ACMG Guidelines, 2015. Collection method: clinical testing. Allele origin: germline. Affected: no.

Labcorp Genetics (formerly Invitae), Labcorp
Classification: Uncertain significance for Hypokalemic periodic paralysis, type 1; Malignant hyperthermia, susceptibility to, 5. Last evaluated: 2022-08-15. Review status: criteria provided, single submitter. Criteria: Invitae Variant Classification Sherloc (09022015). Collection method: clinical testing. Allele origin: germline.
Comment: This sequence change replaces serine, which is neutral and polar, with leucine, which is neutral and non-polar, at codon 5 of the CACNA1S protein (p.Ser5Leu). This variant is present in population databases (rs772738139, gnomAD 0.0009%). In summary, the available evidence is currently insufficient to determine the role of this variant in disease. Therefore, it has been classified as a Variant of Uncertain Significance. Advanced modeling of protein sequence and biophysical properties (such as structural, functional, and spatial information, amino acid conservation, physicochemical variation, residue mobility, and thermodynamic stability) performed at Invitae indicates that this missense variant is not expected to disrupt CACNA1S protein function. ClinVar contains an entry for this variant (Variation ID: 949966). This variant has not been reported in the literature in individuals affected with CACNA1S-related conditions.

Fulgent Genetics
Classification: Uncertain significance for Hypokalemic periodic paralysis, type 1; Thyrotoxic periodic paralysis, susceptibility to, 1; Malignant hyperthermia, susceptibility to, 5. Last evaluated: 2021-07-08. Review status: criteria provided, single submitter. Criteria: ACMG Guidelines, 2015. Collection method: clinical testing. Allele origin: unknown.

NM_000069.3(CACNA1S):c.14C>T (p.Ser5Leu)

Gene: CACNA1S (calcium voltage-gated channel subunit alpha1 S; minus strand). Cytogenetic location: 1q32.1.
Variant type: single nucleotide variant.
Coding change: c.14C>T on transcript NM_000069.3 (MANE Select); coding-DNA position 14, C replaced by T.
Protein change: p.Ser5Leu; replaces serine 5 with leucine.
Molecular consequence: missense variant.
Genome position (GRCh38, 1-based): chr1:201,112,326, G>A on the plus strand (C>T on the coding strand, the complement: CACNA1S is on the minus strand). VCF-style: chr1-201112326-G-A. GRCh37 (hg19) VCF-style: chr1-201081454-G-A.
Other names: short protein forms S5L.
Identifiers: ClinVar variation 949966 (VCV000949966.11), dbSNP rs772738139, ClinGen allele CA078271.
Genomic context (GRCh38, chr1:201,112,326, plus strand): 5'-GGCAGAATCTCAGGAACTGGCTTCTTGGGCTGTTTCTTCCTCAGGCCTTCATCCTGGGGT[G>A]AGGATGGCTCCATGGCTTCCCTGGGAATCTGGCTTTCTCCTGCTCCCCCACCCCAGTGCT-3'
Protein context (NP_000060.2, residues 1-15): MEPS[Ser5Leu]PQDEGLRKKQ